The following is an entry in ClinVar:

ClinVar aggregate classification (germline): Uncertain significance. Review status: criteria provided, multiple submitters, no conflicts (2 of 4 stars). 2 submissions from 2 submitters: Uncertain significance (2). Last evaluated 2025-08-16.

Conditions:
Immunodeficiency. Identifiers: MedGen C0021051, MONDO:0021094, HP:0002721.

gnomAD v4.1: 14 of 1,612,810 alleles (0.00087%); highest among the groups gnomAD compares: Non-Finnish European, 0.0012%; no homozygotes.

Submissions (2):

Labcorp Genetics (formerly Invitae), Labcorp
Classification: Uncertain significance for Immunodeficiency. Last evaluated: 2025-08-16. Review status: criteria provided, single submitter. Criteria: Invitae Variant Classification Sherloc (09022015). Collection method: clinical testing. Allele origin: germline.
Comment: This sequence change replaces proline, which is neutral and non-polar, with leucine, which is neutral and non-polar, at codon 14 of the NFAT5 protein (p.Pro14Leu). This variant is present in population databases (no rsID available, gnomAD 0.002%). This variant has not been reported in the literature in individuals affected with NFAT5-related conditions. ClinVar contains an entry for this variant (Variation ID: 3405067). An algorithm developed to predict the effect of missense changes on protein structure and function (PolyPhen-2) suggests that this variant is likely to be disruptive. In summary, the available evidence is currently insufficient to determine the role of this variant in disease. Therefore, it has been classified as a Variant of Uncertain Significance.

Ambry Genetics
Classification: Uncertain significance. Last evaluated: 2024-08-20. Review status: criteria provided, single submitter. Criteria: Ambry Variant Classification Scheme 2023. Collection method: clinical testing. Allele origin: germline.

NM_138713.4(NFAT5):c.323C>T (p.Pro108Leu)

Gene: NFAT5 (nuclear factor of activated T cells 5; plus strand). Cytogenetic location: 16q22.1.
Variant type: single nucleotide variant.
Coding change: c.323C>T on transcript NM_138713.4 (MANE Select); coding-DNA position 323, C replaced by T.
Protein change: p.Pro108Leu; replaces proline 108 with leucine.
Molecular consequence: missense variant. On other transcripts: synonymous variant (1).
Genome position (GRCh38, 1-based): chr16:69,647,097, C>T. VCF-style: chr16-69647097-C-T. GRCh37 (hg19) VCF-style: chr16-69681000-C-T.
Other names: c.323C>T, p.Pro108Leu (NM_001113178.3); c.70C>T, p.Leu24= (NM_001367709.1); c.269C>T, p.Pro90Leu (NM_006599.4); c.41C>T, p.Pro14Leu (NM_138714.4, NM_173214.3, NM_173215.3); short protein forms P108L, P14L, P90L.
Identifiers: ClinVar variation 3405067 (VCV003405067.2).